The following is an entry in ClinVar:

NM_198576.4(AGRN):c.1534G>A (p.Ala512Thr)

Gene: AGRN (agrin; plus strand). Cytogenetic location: 1p36.33.
Variant type: single nucleotide variant.
Coding change: c.1534G>A on transcript NM_198576.4 (MANE Select); coding-DNA position 1534, G replaced by A.
Protein change: p.Ala512Thr; replaces alanine 512 with threonine.
Molecular consequence: missense variant.
Genome position (GRCh38, 1-based): chr1:1,043,388, G>A. VCF-style: chr1-1043388-G-A. GRCh37 (hg19) VCF-style: chr1-978768-G-A.
Other names: c.1534G>A, p.Ala512Thr (NM_001305275.2); c.1219G>A, p.Ala407Thr (NM_001364727.2); short protein forms A407T, A512T.
Identifiers: ClinVar variation 804515 (VCV000804515.9), dbSNP rs780205618, ClinGen allele CA508216.
Genomic context (GRCh38, chr1:1,043,388, plus strand): 5'-CAGGCGTGCTCGAGCCTCTACGATCCTGTGTGCGGCAGCGACGGCGTCACATACGGCAGC[G>A]CGTGCGAGCTGGAGGCCACGGCCTGTACCCTCGGGCGGGAGATCCAGGTGGCGCGCAAAG-3'
Protein context (NP_940978.2, residues 502-522): CGSDGVTYGS[Ala512Thr]CELEATACTL

ClinVar aggregate classification (germline): Conflicting classifications of pathogenicity. Review status: criteria provided, conflicting classifications (1 of 4 stars). 3 submissions from 3 submitters: Uncertain significance (2); Likely benign (1). Last evaluated 2025-11-13.

Conditions:
Inborn genetic diseases. Identifiers: MedGen C0950123, MeSH D030342.
Congenital myasthenic syndrome 8. Also called: MYASTHENIC SYNDROME, CONGENITAL, DUE TO AGRIN DEFICIENCY; Myasthenic syndrome, congenital, 8, with pre- and postsynaptic defects. Identifiers: Orphanet 590, MedGen C3808739, MONDO:0014052, OMIM 615120.

Allele frequency attached by ClinVar (database versions not stated): gnomAD 0.00003 and 0.00002; TOPMed 0.00007.
gnomAD v4.1: 30 of 1,608,856 alleles (0.0019%); highest among the groups gnomAD compares: African/African-American, 0.0053%; no homozygotes.

Submissions (3):

Ambry Genetics
Classification: Likely benign for Inborn genetic diseases. Last evaluated: 2025-11-13. Review status: criteria provided, single submitter. Criteria: Ambry Variant Classification Scheme 2023. Collection method: clinical testing. Allele origin: germline.

Labcorp Genetics (formerly Invitae), Labcorp
Classification: Uncertain significance for Congenital myasthenic syndrome 8. Last evaluated: 2022-08-16. Review status: criteria provided, single submitter. Criteria: Invitae Variant Classification Sherloc (09022015). Collection method: clinical testing. Allele origin: germline.
Comment: This sequence change replaces alanine, which is neutral and non-polar, with threonine, which is neutral and polar, at codon 512 of the AGRN protein (p.Ala512Thr). This variant is present in population databases (rs780205618, gnomAD 0.01%). This variant has not been reported in the literature in individuals affected with AGRN-related conditions. ClinVar contains an entry for this variant (Variation ID: 804515). Algorithms developed to predict the effect of missense changes on protein structure and function output the following: SIFT: "Tolerated"; PolyPhen-2: "Possibly Damaging"; Align-GVGD: "Class C0". The threonine amino acid residue is found in multiple mammalian species, which suggests that this missense change does not adversely affect protein function. In summary, the available evidence is currently insufficient to determine the role of this variant in disease. Therefore, it has been classified as a Variant of Uncertain Significance.

Athena Diagnostics
Classification: Uncertain significance. Last evaluated: 2019-03-26. Review status: criteria provided, single submitter. Criteria: Athena Diagnostics Criteria. Collection method: clinical testing. Allele origin: germline.